The following is an entry in ClinVar:

ClinVar aggregate classification (germline): Uncertain significance (1 of 4 stars; one submission).

Conditions:
Hereditary breast ovarian cancer syndrome. Also called: Hereditary breast and ovarian cancer syndrome; Hereditary breast and ovarian cancer syndrome (HBOC); BRCA1- and BRCA2-Associated Hereditary Breast and Ovarian Cancer; Hereditary breast and ovarian cancer; Breast and ovarian cancer; Hereditary breast and/or ovarian cancer syndrome. Identifiers: Orphanet 145, MedGen C0677776, MeSH D061325, MONDO:0003582. Disease mechanism: loss of function.

Submission:

Labcorp Genetics (formerly Invitae), Labcorp
Classification: Uncertain significance for Hereditary breast ovarian cancer syndrome. Last evaluated: 2024-05-20. Review status: criteria provided, single submitter. Criteria: Invitae Variant Classification Sherloc (09022015). Collection method: clinical testing. Allele origin: germline.
Comment: This sequence change replaces arginine, which is basic and polar, with tryptophan, which is neutral and slightly polar, at codon 2933 of the BRCA2 protein (p.Arg2933Trp). This variant is not present in population databases (gnomAD no frequency). This variant has not been reported in the literature in individuals affected with BRCA2-related conditions. Advanced modeling of protein sequence and biophysical properties (such as structural, functional, and spatial information, amino acid conservation, physicochemical variation, residue mobility, and thermodynamic stability) performed at Invitae indicates that this missense variant is not expected to disrupt BRCA2 protein function with a negative predictive value of 95%. In summary, the available evidence is currently insufficient to determine the role of this variant in disease. Therefore, it has been classified as a Variant of Uncertain Significance.

NM_000059.4(BRCA2):c.8797A>T (p.Arg2933Trp)

Gene: BRCA2 (BRCA2 DNA repair associated; plus strand). Cytogenetic location: 13q13.1.
Variant type: single nucleotide variant.
Coding change: c.8797A>T on transcript NM_000059.4 (MANE Select); coding-DNA position 8797, A replaced by T.
Protein change: p.Arg2933Trp; replaces arginine 2933 with tryptophan.
Molecular consequence: missense variant. On other transcripts: non-coding transcript variant (1).
Genome position (GRCh38, 1-based): chr13:32,379,359, A>T. VCF-style: chr13-32379359-A-T. GRCh37 (hg19) VCF-style: chr13-32953496-A-T.
Other names: c.8701A>T, p.Arg2901Trp (NM_001406719.1); c.8797A>T, p.Arg2933Trp (NM_001406720.1, NM_001432077.1); c.3865A>T, p.Arg1289Trp (NM_001406721.1); c.2380A>T, p.Arg794Trp (NM_001406722.1); short protein forms R1289W, R2901W, R2933W, R794W.
Identifiers: ClinVar variation 3636546 (VCV003636546.2).